The following is an entry in ClinVar:

NM_000338.3(SLC12A1):c.450C>T (p.Asp150=)

Gene: SLC12A1 (solute carrier family 12 member 1; plus strand). Cytogenetic location: 15q21.1.
Variant type: single nucleotide variant.
Coding change: c.450C>T on transcript NM_000338.3 (MANE Select); coding-DNA position 450, C replaced by T.
Protein change: p.Asp150=; no amino-acid change (aspartic acid 150 retained).
Molecular consequence: synonymous variant.
Genome position (GRCh38, 1-based): chr15:48,220,663, C>T. VCF-style: chr15-48220663-C-T. GRCh37 (hg19) VCF-style: chr15-48512860-C-T.
Other names: c.450C>T (NM_000338.2); c.450C>T, p.Asp150= (NM_001184832.2, NM_001384136.1).
Identifiers: ClinVar variation 2998036 (VCV002998036.4), dbSNP rs1403761087, ClinGen allele CA490014517.

ClinVar aggregate classification (germline): Likely benign. Review status: criteria provided, multiple submitters, no conflicts (2 of 4 stars). 2 submissions from 2 submitters: Likely benign (2). Last evaluated 2026-03-03.

Conditions:
SLC12A1-related disorder. Also called: SLC12A1-related condition.

Allele frequency attached by ClinVar (database versions not stated): TOPMed below 0.00001; gnomAD 0.00001; gnomAD exomes 0.00001.
gnomAD v4.1: 4 of 1,613,386 alleles (0.00025%); highest among the groups gnomAD compares: Admixed American, 0.0033%; no homozygotes.

Submissions (2):

PreventionGenetics, part of Exact Sciences
Classification: Likely benign for SLC12A1-related condition. Last evaluated: 2026-03-03. Review status: criteria provided, single submitter. Criteria: ACMG Guidelines, 2015. Collection method: clinical testing. Allele origin: germline.
Comment: This variant is classified as likely benign based on ACMG/AMP sequence variant interpretation guidelines (Richards et al. 2015 PMID: 25741868, with internal and published modifications).

Labcorp Genetics (formerly Invitae), Labcorp
Classification: Likely benign. Last evaluated: 2025-01-23. Review status: criteria provided, single submitter. Criteria: Invitae Variant Classification Sherloc (09022015). Collection method: clinical testing. Allele origin: germline.